The following is an entry in ClinVar:

NC_000016.10:g.(?_68787043)_(68801903_?)del

Gene: CDH1 (cadherin 1; plus strand). Cytogenetic location: 16q22.1.
Variant type: Deletion.
Identifiers: ClinVar variation 833013 (VCV000833013.1).

ClinVar aggregate classification (germline): Pathogenic (1 of 4 stars; one submission).

Conditions:
Hereditary diffuse gastric adenocarcinoma (HDGC). Also called: DIFFUSE GASTRIC AND LOBULAR BREAST CANCER SYNDROME. Identifiers: Orphanet 26106, MedGen C1708349, MONDO:0007648, OMIM 137215.

Submission:

Labcorp Genetics (formerly Invitae), Labcorp
Classification: Pathogenic for Hereditary diffuse gastric cancer. Last evaluated: 2019-12-30. Review status: criteria provided, single submitter. Criteria: Invitae Variant Classification Sherloc (09022015). Collection method: clinical testing. Allele origin: germline.
Comment: This variant is an out-of-frame deletion of the genomic region encompassing exon 3 of the CDH1 gene. This is expected to create a premature translational stop signal and result in an absent or disrupted protein product. A deletion of exon 3 has been reported in the literature in a family with gastric cancer (PMID: 21777349). Experimental studies have shown that exon 3 deletion impairs the cell cell adhesion function of CDH1 (PMID: 21777349). Loss-of-function variants in CDH1 are known to be pathogenic (PMID: 15235021, 20373070). For these reasons, this variant has been classified as Pathogenic.

Literature cited by the submitters: PubMed 21777349.